The following is an entry in ClinVar:

ClinVar aggregate classification (germline): Uncertain significance. Review status: criteria provided, multiple submitters, no conflicts (2 of 4 stars). 2 submissions from 2 submitters: Uncertain significance (2). Last evaluated 2025-09-26.

Conditions:
Inborn genetic diseases. Identifiers: MedGen C0950123, MeSH D030342.

Allele frequency attached by ClinVar (database versions not stated): ExAC 0.00002; gnomAD exomes 0.00001.
gnomAD v4.1: 3 of 1,614,038 alleles (0.00019%); highest among the groups gnomAD compares: Non-Finnish European, 0.00025%; no homozygotes.

Submissions (2):

Ambry Genetics
Classification: Uncertain significance for Inborn genetic diseases. Last evaluated: 2025-09-26. Review status: criteria provided, single submitter. Criteria: Ambry Variant Classification Scheme 2023. Collection method: clinical testing. Allele origin: germline.

Labcorp Genetics (formerly Invitae), Labcorp
Classification: Uncertain significance. Last evaluated: 2025-02-03. Review status: criteria provided, single submitter. Criteria: Invitae Variant Classification Sherloc (09022015). Collection method: clinical testing. Allele origin: germline.
Comment: This sequence change replaces serine, which is neutral and polar, with proline, which is neutral and non-polar, at codon 563 of the TSPEAR protein (p.Ser563Pro). This variant is present in population databases (rs782813421, gnomAD 0.002%). This missense change has been observed in individual(s) with clinical features of ectodermal dysplasia (internal data). In at least one individual the data is consistent with being in trans (on the opposite chromosome) from a pathogenic variant. ClinVar contains an entry for this variant (Variation ID: 2990475). Invitae Evidence Modeling of protein sequence and biophysical properties (such as structural, functional, and spatial information, amino acid conservation, physicochemical variation, residue mobility, and thermodynamic stability) has been performed for this missense variant. However, the output from this modeling did not meet the statistical confidence thresholds required to predict the impact of this variant on TSPEAR protein function. In summary, the available evidence is currently insufficient to determine the role of this variant in disease. Therefore, it has been classified as a Variant of Uncertain Significance.

NM_144991.3(TSPEAR):c.1687T>C (p.Ser563Pro)

Genes: TSPEAR (thrombospondin type laminin G domain and EAR repeats; minus strand), TSPEAR-AS1 (TSPEAR antisense RNA 1; plus strand), LOC126653398 (CDK7 strongly-dependent group 2 enhancer GRCh37_chr21:45928270-45929469; plus strand). Cytogenetic location: 21q22.3.
Variant type: single nucleotide variant.
Coding change: c.1687T>C on transcript NM_144991.3 (MANE Select); coding-DNA position 1687, T replaced by C.
Protein change: p.Ser563Pro; replaces serine 563 with proline.
Molecular consequence: missense variant. On other transcripts: non-coding transcript variant (1).
Genome position (GRCh38, 1-based): chr21:44,509,266, A>G on the plus strand (T>C on the coding strand, the complement: TSPEAR is on the minus strand). VCF-style: chr21-44509266-A-G. GRCh37 (hg19) VCF-style: chr21-45929149-A-G.
Other names: c.1483T>C, p.Ser495Pro (NM_001272037.2); c.1687T>C (NM_144991.2); short protein forms S495P, S563P.
Identifiers: ClinVar variation 2990475 (VCV002990475.4), dbSNP rs782813421, ClinGen allele CA10056420.